The following is an entry in ClinVar:

ClinVar aggregate classification (germline): Uncertain significance. Review status: criteria provided, single submitter (1 of 4 stars). 2 submissions from 2 submitters: Uncertain significance (1). 1 of the submissions does not count toward it. Last evaluated 2021-09-01.

Conditions:
Cardiomyopathy (CMYO). Also called: Cardiomyopathies. Identifiers: Orphanet 167848, MedGen C0878544, MONDO:0004994, HP:0001638. Inheritance: Various modes of inheritance.
Duchenne muscular dystrophy (DMD). Also called: MUSCULAR DYSTROPHY, PSEUDOHYPERTROPHIC PROGRESSIVE, DUCHENNE TYPE; Duchenne Muscular Dystrophy (DMD). Identifiers: Orphanet 98896, MedGen C0013264, MONDO:0010679, OMIM 310200.
Becker muscular dystrophy (BMD). Also called: MUSCULAR DYSTROPHY, PSEUDOHYPERTROPHIC PROGRESSIVE, BECKER TYPE; Becker Muscular Dystrophy (BMD). Identifiers: Orphanet 98895, MedGen C0917713, MONDO:0010311, OMIM 300376.
Dystrophin deficiency.

Submissions (2):

Labcorp Genetics (formerly Invitae), Labcorp
Classification: Uncertain significance for Duchenne muscular dystrophy. Last evaluated: 2021-09-01. Review status: criteria provided, single submitter. Criteria: Invitae Variant Classification Sherloc (09022015). Collection method: clinical testing. Allele origin: germline.
Comment: This sequence change replaces leucine with phenylalanine at codon 1364 of the DMD protein (p.Leu1364Phe). The leucine residue is highly conserved and there is a small physicochemical difference between leucine and phenylalanine. This variant is not present in population databases (ExAC no frequency). This variant has not been reported in the literature in individuals affected with DMD-related conditions. Algorithms developed to predict the effect of missense changes on protein structure and function output the following: SIFT: "Tolerated"; PolyPhen-2: "Probably Damaging"; Align-GVGD: "Class C0". The phenylalanine amino acid residue is found in multiple mammalian species, which suggests that this missense change does not adversely affect protein function. In summary, the available evidence is currently insufficient to determine the role of this variant in disease. Therefore, it has been classified as a Variant of Uncertain Significance.

Natera, Inc.
Classification: Uncertain significance for Becker muscular dystrophy; Cardiomyopathy; Duchenne muscular dystrophy; Dystrophin deficiency. Last evaluated: 2018-10-02. Review status: no assertion criteria provided. Collection method: clinical testing. Allele origin: germline. Not counted in ClinVar's aggregate classification.

NM_004006.3(DMD):c.4092G>C (p.Leu1364Phe)

Gene: DMD (dystrophin; minus strand). Cytogenetic location: Xp21.1.
Variant type: single nucleotide variant.
Coding change: c.4092G>C on transcript NM_004006.3 (MANE Select); coding-DNA position 4092, G replaced by C.
Protein change: p.Leu1364Phe; replaces leucine 1364 with phenylalanine.
Molecular consequence: missense variant.
Genome position (GRCh38, 1-based): chrX:32,411,893, C>G on the plus strand (G>C on the coding strand, the complement: DMD is on the minus strand). VCF-style: chrX-32411893-C-G. GRCh37 (hg19) VCF-style: chrX-32430010-C-G.
Other names: c.4068G>C, p.Leu1356Phe (NM_000109.4); c.4080G>C, p.Leu1360Phe (NM_004009.3); c.3723G>C, p.Leu1241Phe (NM_004010.3); c.69G>C, p.Leu23Phe (NM_004011.4); c.60G>C, p.Leu20Phe (NM_004012.4); short protein forms L1360F, L23F, L1356F, L1364F, L20F, L1241F.
Identifiers: ClinVar variation 657694 (VCV000657694.7), dbSNP rs1603632896, ClinGen allele CA412666655.